The following is an entry in ClinVar:

ClinVar aggregate classification (germline): Uncertain significance (1 of 4 stars; one submission).

Allele frequency attached by ClinVar (database versions not stated): gnomAD 0.00001; ExAC 0.00002; TOPMed below 0.00001; gnomAD exomes 0.00001.

Submission:

Labcorp Genetics (formerly Invitae), Labcorp
Classification: Uncertain significance. Last evaluated: 2022-02-24. Review status: criteria provided, single submitter. Criteria: Invitae Variant Classification Sherloc (09022015). Collection method: clinical testing. Allele origin: germline.
Comment: This sequence change replaces methionine, which is neutral and non-polar, with arginine, which is basic and polar, at codon 191 of the FAM161A protein (p.Met191Arg). This variant is present in population databases (rs750867445, gnomAD 0.002%). This variant has not been reported in the literature in individuals affected with FAM161A-related conditions. Algorithms developed to predict the effect of missense changes on protein structure and function output the following: SIFT: "Tolerated"; PolyPhen-2: "Benign"; Align-GVGD: "Class C0". The arginine amino acid residue is found in multiple mammalian species, which suggests that this missense change does not adversely affect protein function. In summary, the available evidence is currently insufficient to determine the role of this variant in disease. Therefore, it has been classified as a Variant of Uncertain Significance.

NM_001201543.2(FAM161A):c.572T>G (p.Met191Arg)

Gene: FAM161A (FAM161 centrosomal protein A; minus strand). Cytogenetic location: 2p15.
Variant type: single nucleotide variant.
Coding change: c.572T>G on transcript NM_001201543.2 (MANE Select); coding-DNA position 572, T replaced by G.
Protein change: p.Met191Arg; replaces methionine 191 with arginine.
Molecular consequence: missense variant. On other transcripts: non-coding transcript variant (1).
Genome position (GRCh38, 1-based): chr2:61,840,432, A>C on the plus strand (T>G on the coding strand, the complement: FAM161A is on the minus strand). VCF-style: chr2-61840432-A-C. GRCh37 (hg19) VCF-style: chr2-62067567-A-C.
Other names: c.572T>G, p.Met191Arg (NM_032180.3); short protein forms M191R.
Identifiers: ClinVar variation 1379256 (VCV001379256.5), dbSNP rs750867445, ClinGen allele CA1679326.
Genomic context (GRCh38, chr2:61,840,432, plus strand): 5'-TAATCCTCAACACAAAAGTCTGTCCACATATTGTTGATGAGCTCCTTAGCATAGGTCATC[A>C]TTCTGTTTTTCCTAGGATACTCTTTTTCTAGGTTGGGTAACTCCTCTTCAGAGGAGGACA-3'
Protein context (NP_001188472.1, residues 181-201): LEKEYPRKNR[Met191Arg]MTYAKELINN